The following is an entry in ClinVar:

ClinVar aggregate classification (germline): Benign/Likely benign. Review status: criteria provided, multiple submitters, no conflicts (2 of 4 stars). 7 submissions from 7 submitters: Benign (1); Likely benign (5). 1 of the submissions does not count toward it. Last evaluated 2025-12-19.

Conditions:
Ehlers-Danlos syndrome, classic type, 1 (EDSCL1). Also called: EDS I; Ehlers-Danlos syndrome, type 1; Ehlers-Danlos Syndrome, Classic Type, COL5A1-Related; EHLERS-DANLOS SYNDROME, GRAVIS TYPE; EHLERS-DANLOS SYNDROME, SEVERE CLASSIC TYPE. Identifiers: MedGen C0268335, MONDO:0019567, OMIM 130000.
COL5A1-related disorder. Also called: COL5A1-related condition.
Familial thoracic aortic aneurysm and aortic dissection (TAAD). Also called: Thoracic aortic aneurysms and dissections. Identifiers: Orphanet 91387, MedGen C4707243, MONDO:0019625.

Allele frequency attached by ClinVar (database versions not stated): TOPMed 0.00006; ESP Exome Variant Server 0.00015.
gnomAD v4.1: 74 of 1,613,290 alleles (0.0046%); highest among the groups gnomAD compares: South Asian, 0.0055%; 1 homozygote.

Submissions (7):

Labcorp Genetics (formerly Invitae), Labcorp
Classification: Likely benign for Ehlers-Danlos syndrome, classic type, 1. Last evaluated: 2025-12-19. Review status: criteria provided, single submitter. Criteria: Invitae Variant Classification Sherloc (09022015). Collection method: clinical testing. Allele origin: germline.

Women's Health and Genetics/Laboratory Corporation of America, LabCorp
Classification: Benign. Last evaluated: 2025-10-08. Review status: criteria provided, single submitter. Criteria: LabCorp Variant Classification Summary - May 2015. Collection method: clinical testing. Allele origin: germline.

CeGaT Center for Human Genetics Tuebingen
Classification: Likely benign. Last evaluated: 2025-09-01. Review status: criteria provided, single submitter. Criteria: CeGaT Center For Human Genetics Tuebingen Variant Classification Criteria Version 2. Collection method: clinical testing. Allele origin: germline. Affected: yes. Observed: 1 variant allele.
Comment: COL5A1: BP4, BP7

Blueprint Genetics
Classification: Likely benign. Last evaluated: 2024-06-26. Review status: criteria provided, single submitter. Criteria: ACMG Guidelines, 2015. Collection method: clinical testing. Allele origin: germline.

GeneDx
Classification: Likely benign. Last evaluated: 2018-02-07. Review status: criteria provided, single submitter. Criteria: GeneDx Variant Classification (06012015). Collection method: clinical testing. Allele origin: germline. Affected: yes.
Comment: This variant is considered likely benign or benign based on one or more of the following criteria: it is a conservative change, it occurs at a poorly conserved position in the protein, it is predicted to be benign by multiple in silico algorithms, and/or has population frequency not consistent with disease.

Ambry Genetics
Classification: Likely benign for Familial thoracic aortic aneurysm and aortic dissection. Last evaluated: 2017-03-07. Review status: criteria provided, single submitter. Criteria: Ambry Variant Classification Scheme 2023. Collection method: clinical testing. Allele origin: germline.

PreventionGenetics, part of Exact Sciences
Classification: Likely benign for COL5A1-related condition. Last evaluated: 2023-08-01. Review status: no assertion criteria provided. Collection method: clinical testing. Allele origin: germline. Not counted in ClinVar's aggregate classification.
Comment: This variant is classified as likely benign based on ACMG/AMP sequence variant interpretation guidelines (Richards et al. 2015 PMID: 25741868, with internal and published modifications).

NM_000093.5(COL5A1):c.2184C>A (p.Ala728=)

Gene: COL5A1 (collagen type V alpha 1 chain; plus strand). Cytogenetic location: 9q34.3.
Variant type: single nucleotide variant.
Coding change: c.2184C>A on transcript NM_000093.5 (MANE Select); coding-DNA position 2184, C replaced by A.
Protein change: p.Ala728=; no amino-acid change (alanine 728 retained).
Molecular consequence: synonymous variant.
Genome position (GRCh38, 1-based): chr9:134,767,050, C>A. VCF-style: chr9-134767050-C-A. GRCh37 (hg19) VCF-style: chr9-137658896-C-A.
Other names: c.2184C>A, p.Ala728= (NM_001278074.1).
Identifiers: ClinVar variation 459661 (VCV000459661.28), dbSNP rs150993138, ClinGen allele CA5319189.